The following is an entry in ClinVar:

NM_007375.4(TARDBP):c.1038G>C (p.Gln346His)

Gene: TARDBP (TAR DNA binding protein; plus strand). Cytogenetic location: 1p36.22.
Variant type: single nucleotide variant.
Coding change: c.1038G>C on transcript NM_007375.4 (MANE Select); coding-DNA position 1038, G replaced by C.
Protein change: p.Gln346His; replaces glutamine 346 with histidine.
Molecular consequence: missense variant.
Genome position (GRCh38, 1-based): chr1:11,022,447, G>C. VCF-style: chr1-11022447-G-C. GRCh37 (hg19) VCF-style: chr1-11082504-G-C.
Other names: short protein forms Q346H.
Identifiers: ClinVar variation 3452965 (VCV003452965.1).

ClinVar aggregate classification (germline): Uncertain significance (1 of 4 stars; one submission).

Conditions:
Inborn genetic diseases. Identifiers: MedGen C0950123, MeSH D030342.

gnomAD v4.1: 1 of 1,613,576 alleles (0.000062%); highest among the groups gnomAD compares: Admixed American, 0.0017%; no homozygotes.

Submission:

Ambry Genetics
Classification: Uncertain significance for Inborn genetic diseases. Last evaluated: 2024-12-05. Review status: criteria provided, single submitter. Criteria: Ambry Variant Classification Scheme 2023. Collection method: clinical testing. Allele origin: germline.
Comment: The p.Q346H variant (also known as c.1038G>C), located in coding exon 5 of the TARDBP gene, results from a G to C substitution at nucleotide position 1038. The glutamine at codon 346 is replaced by histidine, an amino acid with highly similar properties. This amino acid position is conserved. In addition, the in silico prediction for this alteration is inconclusive. Based on the available evidence, the clinical significance of this variant remains unclear.